The following is an entry in ClinVar:

ClinVar aggregate classification (germline): Pathogenic. Review status: criteria provided, multiple submitters, no conflicts (2 of 4 stars). 2 submissions from 2 submitters: Pathogenic (2). Last evaluated 2021-09-30.

Conditions:
Inborn genetic diseases. Identifiers: MedGen C0950123, MeSH D030342.
Cardiac anomalies - developmental delay - facial dysmorphism syndrome (MRFACD). Also called: Impaired intellectual development and distinctive facial features with or without cardiac defects; MED13L Syndrome. Identifiers: Orphanet 369891, MedGen C5192431, MONDO:0014773, OMIM 616789.

Submissions (2):

Ambry Genetics
Classification: Pathogenic for Inborn genetic diseases. Last evaluated: 2021-09-30. Review status: criteria provided, single submitter. Criteria: Ambry Variant Classification Scheme 2023. Collection method: clinical testing. Allele origin: germline.
Comment: The c.5796_5806del11 (p.C1932Wfs*12) alteration, located in coding exon 26 of the MED13L gene, consists of a deletion of 11 nucleotides from position 5796 to 5806, causing a translational frameshift with a predicted alternate stop codon after 12 amino acids. This alteration is expected to result in loss of function by premature protein truncation or nonsense-mediated mRNA decay. This variant was not reported in population-based cohorts in the Genome Aggregation Database (gnomAD). Based on the available evidence, this alteration is classified as pathogenic.

GeneDx
Classification: Pathogenic. Last evaluated: 2020-10-08. Review status: criteria provided, single submitter. Criteria: GeneDx Variant Classification Process June 2021. Collection method: clinical testing. Allele origin: germline. Affected: yes.
Comment: Frameshift variant predicted to result in protein truncation or nonsense mediated decay in a gene for which loss-of-function is a known mechanism of disease; Not observed in large population cohorts (Lek et al., 2016); Has not been previously published as pathogenic or benign to our knowledge

NM_015335.5(MED13L):c.5796_5806del (p.Cys1932fs)

Gene: MED13L (mediator complex subunit 13L; minus strand). Cytogenetic location: 12q24.21.
Variant type: Deletion.
Coding change: c.5796_5806del on transcript NM_015335.5 (MANE Select); coding-DNA positions 5796 to 5806, 11 bases deleted (CCGGATGTGTG).
Protein change: p.Cys1932fs; shifts the reading frame from cysteine 1932.
Molecular consequence: frameshift variant.
Genome position (GRCh38, 1-based): chr12:115,972,162-115,972,172, CACACATCCGG deleted on the plus strand (CCGGATGTGTG on the coding strand, the reverse complement: MED13L is on the minus strand); deleting any 11 consecutive bases within chr12:115,972,162-115,972,181 gives the same sequence; the c. name uses the placement nearest the transcript's 3' end. VCF-style (leftmost placement, unchanged base first): chr12-115972161-CCACACATCCGG-C. GRCh37 (hg19) VCF-style: chr12-116409966-CCACACATCCGG-C.
Other names: c.5796_5806del11 (NM_015335.5); c.5796_5806delCCGGATGTGTG (NM_015335.4); short protein forms C1932fs.
Identifiers: ClinVar variation 984809 (VCV000984809.9), dbSNP rs1876629983, ClinGen allele CA1139662896.